The following is an entry in ClinVar:

ClinVar aggregate classification (germline): Uncertain significance (1 of 4 stars; one submission).

Conditions:
Progressive myoclonic epilepsy. Also called: Myoclonic Epilepsies, Progressive; Familial progressive myoclonic epilepsy; Myoclonus epilepsy; Progressive myoclonus epilepsy. Identifiers: Orphanet 308, Orphanet 98261, MedGen C0751778, MONDO:0020074.

Allele frequency attached by ClinVar (database versions not stated): gnomAD exomes below 0.00001.
gnomAD v4.1: 1 of 1,612,538 alleles (0.000062%); highest among the groups gnomAD compares: Non-Finnish European, 0.000085%; no homozygotes.

Submission:

Labcorp Genetics (formerly Invitae), Labcorp
Classification: Uncertain significance for Progressive myoclonic epilepsy. Last evaluated: 2022-09-01. Review status: criteria provided, single submitter. Criteria: Invitae Variant Classification Sherloc (09022015). Collection method: clinical testing. Allele origin: germline.
Comment: This sequence change falls in intron 8 of the SCARB2 gene. It does not directly change the encoded amino acid sequence of the SCARB2 protein. It affects a nucleotide within the consensus splice site. This variant is not present in population databases (gnomAD no frequency). This variant has not been reported in the literature in individuals affected with SCARB2-related conditions. ClinVar contains an entry for this variant (Variation ID: 1413906). Variants that disrupt the consensus splice site are a relatively common cause of aberrant splicing (PMID: 17576681, 9536098). Algorithms developed to predict the effect of sequence changes on RNA splicing suggest that this variant is not likely to affect RNA splicing. In summary, the available evidence is currently insufficient to determine the role of this variant in disease. Therefore, it has been classified as a Variant of Uncertain Significance.

Literature cited by the submitters: PubMed 17576681; PubMed 9536098.

NM_005506.4(SCARB2):c.1114-3C>T

Gene: SCARB2 (scavenger receptor class B member 2; minus strand). Cytogenetic location: 4q21.1.
Variant type: single nucleotide variant.
Coding change: c.1114-3C>T on transcript NM_005506.4 (MANE Select); 3 bases into the intron before coding-DNA position 1114, C replaced by T.
Molecular consequence: intron variant.
Genome position (GRCh38, 1-based): chr4:76,168,479, G>A on the plus strand (C>T on the coding strand, the complement: SCARB2 is on the minus strand). VCF-style: chr4-76168479-G-A. GRCh37 (hg19) VCF-style: chr4-77089632-G-A.
Other names: c.685-3C>T (NM_001204255.2).
Identifiers: ClinVar variation 1413906 (VCV001413906.3), dbSNP rs1560705500, ClinGen allele CA1469484953.
Genomic context (GRCh38, chr4:76,168,479, plus strand): 5'-TTTTGACATAAATGTTGATTTGGAACCTCTTGGCTGCTTTTAGGATTATTCCAGTCAACT[G>A]CAAATCAGAGAAGTGAAAAGGAAACATTAGGATTTATTAAACTGCAAACAACTTTTTCAA-3'